The following is an entry in ClinVar:

ClinVar aggregate classification (germline): Likely benign. Review status: criteria provided, multiple submitters, no conflicts (2 of 4 stars). 3 submissions from 3 submitters: Likely benign (2). 1 of the submissions does not count toward it. Last evaluated 2026-06-10.

Conditions:
FAT2-related disorder. Also called: FAT2-related condition.

Allele frequency attached by ClinVar (database versions not stated): gnomAD exomes 0.00004; gnomAD 0.00005; ExAC 0.00007; TOPMed 0.00009.
gnomAD v4.1: 67 of 1,614,024 alleles (0.0042%); highest among the groups gnomAD compares: East Asian, 0.04%; no homozygotes.

Submissions (3):

Women's Health and Genetics/Laboratory Corporation of America, LabCorp
Classification: Likely benign. Last evaluated: 2026-06-10. Review status: criteria provided, single submitter. Criteria: LabCorp Variant Classification Summary - May 2015. Collection method: clinical testing. Allele origin: germline.

Labcorp Genetics (formerly Invitae), Labcorp
Classification: Likely benign. Last evaluated: 2025-06-02. Review status: criteria provided, single submitter. Criteria: Invitae Variant Classification Sherloc (09022015). Collection method: clinical testing. Allele origin: germline.

PreventionGenetics, part of Exact Sciences
Classification: Likely benign for FAT2-related condition. Last evaluated: 2019-04-01. Review status: no assertion criteria provided. Collection method: clinical testing. Allele origin: germline. Not counted in ClinVar's aggregate classification.
Comment: This variant is classified as likely benign based on ACMG/AMP sequence variant interpretation guidelines (Richards et al. 2015 PMID: 25741868, with internal and published modifications).

NM_001447.3(FAT2):c.7954T>C (p.Leu2652=)

Genes: FAT2 (FAT atypical cadherin 2; minus strand), SLC36A1 (solute carrier family 36 member 1; plus strand). Cytogenetic location: 5q33.1.
Variant type: single nucleotide variant.
Coding change: c.7954T>C on transcript NM_001447.3 (MANE Select); coding-DNA position 7954, T replaced by C.
Protein change: p.Leu2652=; no amino-acid change (leucine 2652 retained).
Molecular consequence: synonymous variant.
Genome position (GRCh38, 1-based): chr5:151,543,173, A>G on the plus strand (T>C on the coding strand, the complement: FAT2 is on the minus strand). VCF-style: chr5-151543173-A-G. GRCh37 (hg19) VCF-style: chr5-150922734-A-G.
Other names: c.7954T>C (NM_001447.2).
Identifiers: ClinVar variation 1984210 (VCV001984210.7), dbSNP rs771151305, ClinGen allele CA3520881.